The following is an entry in ClinVar:

ClinVar aggregate classification (germline): Likely benign. Review status: criteria provided, multiple submitters, no conflicts (2 of 4 stars). 6 submissions from 5 submitters: Likely benign (6). Last evaluated 2024-11-26.

Conditions:
Cardiovascular phenotype. Identifiers: MedGen CN230736.
RASopathy. Also called: Noonan spectrum disorder; rasopathies. Identifiers: Orphanet 536391, MedGen C5555857, MONDO:0021060.
Fibromatosis, gingival, 1 (GINGF1). Identifiers: Orphanet 2024, MedGen C4551558, MONDO:0007609, OMIM 135300.
Noonan syndrome 4 (NS4). Also called: SOS1-Related Noonan Syndrome; NOONAN SYNDROME WITH PIGMENTED VILLONODULAR SYNOVITIS. Identifiers: Orphanet 648, MedGen C1853120, MONDO:0012547, OMIM 610733.

Allele frequency attached by ClinVar (database versions not stated): gnomAD exomes 0.00001; ExAC 0.00002.
gnomAD v4.1: 3 of 1,576,666 alleles (0.00019%); highest among the groups gnomAD compares: Non-Finnish European, 0.00026%; no homozygotes.

Submissions (6):

Blueprint Genetics
Classification: Likely benign. Last evaluated: 2024-11-26. Review status: criteria provided, single submitter. Criteria: ACMG Guidelines, 2015. Collection method: clinical testing. Allele origin: germline.

Ambry Genetics
Classification: Likely benign for Cardiovascular phenotype. Last evaluated: 2023-04-09. Review status: criteria provided, single submitter. Criteria: Ambry Variant Classification Scheme 2023. Collection method: clinical testing. Allele origin: germline.

Labcorp Genetics (formerly Invitae), Labcorp
Classification: Likely benign for RASopathy. Last evaluated: 2023-03-16. Review status: criteria provided, single submitter. Criteria: Invitae Variant Classification Sherloc (09022015). Collection method: clinical testing. Allele origin: germline.

GeneDx
Classification: Likely benign. Last evaluated: 2016-10-13. Review status: criteria provided, single submitter. Criteria: GeneDx Variant Classification (06012015). Collection method: clinical testing. Allele origin: germline. Affected: yes.
Comment: This variant is considered likely benign or benign based on one or more of the following criteria: it is a conservative change, it occurs at a poorly conserved position in the protein, it is predicted to be benign by multiple in silico algorithms, and/or has population frequency not consistent with disease.

Genome-Nilou Lab
Classification: Likely benign for Noonan syndrome 4. Review status: criteria provided, single submitter. Criteria: ACMG Guidelines, 2015. Collection method: clinical testing. Allele origin: germline.

Genome-Nilou Lab
Classification: Likely benign for Fibromatosis, gingival, 1. Review status: criteria provided, single submitter. Criteria: ACMG Guidelines, 2015. Collection method: clinical testing. Allele origin: germline.

NM_005633.4(SOS1):c.1863C>T (p.Pro621=)

Gene: SOS1 (SOS Ras/Rac guanine nucleotide exchange factor 1; minus strand). Cytogenetic location: 2p22.1.
Variant type: single nucleotide variant.
Coding change: c.1863C>T on transcript NM_005633.4 (MANE Select); coding-DNA position 1863, C replaced by T.
Protein change: p.Pro621=; no amino-acid change (proline 621 retained).
Molecular consequence: synonymous variant.
Genome position (GRCh38, 1-based): chr2:39,014,842, G>A on the plus strand (C>T on the coding strand, the complement: SOS1 is on the minus strand). VCF-style: chr2-39014842-G-A. GRCh37 (hg19) VCF-style: chr2-39241983-G-A.
Other names: c.1842C>T, p.Pro614= (NM_001382394.1); c.1863C>T, p.Pro621= (NM_001382395.1).
Identifiers: ClinVar variation 389948 (VCV000389948.13), dbSNP rs759125551, ClinGen allele CA1624521.
Genomic context (GRCh38, chr2:39,014,842, plus strand): 5'-CAGTAGTTCTTGAGGTTTGCAAAAGGATCTGTATGTTGTAAGAAATGTCCGAACAAAATT[G>A]GGATCTAAGAAGAAAAAGGAAAAATATCTTATTAAACTCTATGATTCAAAATGATTAAAA-3'
Protein context (NP_005624.2, residues 611-631): ERLTYHMYAD[Pro621=]NFVRTFLTTY